The following is an entry in ClinVar:

ClinVar aggregate classification (germline): Uncertain significance (1 of 4 stars; one submission).

Conditions:
Inborn genetic diseases. Identifiers: MedGen C0950123, MeSH D030342.

Submission:

Ambry Genetics
Classification: Uncertain significance for Inborn genetic diseases. Last evaluated: 2025-07-28. Review status: criteria provided, single submitter. Criteria: Ambry Variant Classification Scheme 2023. Collection method: clinical testing. Allele origin: germline.
Comment: The c.610_611delCTinsGA variant (also known as p.L204D), located in coding exon 3 of the MBD4 gene, results from an in-frame deletion of CT and insertion of GA at nucleotide positions 610 to 611. This results in the substitution of the leucine residue for an aspartic acid residue at codon 204, an amino acid with highly dissimilar properties. This amino acid position is not well conserved in available vertebrate species. In addition, this variant is predicted to be neutral by in silico analysis (Choi Y et al. PLoS ONE. 2012; 7(10):e46688). Based on the available evidence, the clinical significance of this variant remains unclear.

NM_001276270.2(MBD4):c.610_611delinsGA (p.Leu204Asp)

Gene: MBD4 (methyl-CpG binding domain 4, DNA glycosylase; minus strand). Cytogenetic location: 3q21.3.
Variant type: Indel.
Coding change: c.610_611delinsGA on transcript NM_001276270.2 (MANE Select); coding-DNA positions 610 to 611, CT replaced by GA.
Protein change: p.Leu204Asp; replaces leucine 204 with aspartic acid.
Molecular consequence: missense variant. On other transcripts: intron variant (1).
Genome position (GRCh38, 1-based): chr3:129,437,033-129,437,034, AG replaced by TC on the plus strand (CT replaced by GA on the coding strand, the reverse complement: MBD4 is on the minus strand). VCF-style: chr3-129437033-AG-TC. GRCh37 (hg19) VCF-style: chr3-129155876-AG-TC.
Other names: c.610_611delinsGA, p.Leu204Asp (NM_001276271.2, NM_001276272.2, NM_003925.3); c.247+774_247+775delinsGA (NM_001276273.2); c.610_611delCTinsGA (NM_001276270.2); short protein forms L204D.
Identifiers: ClinVar variation 4104629 (VCV004104629.1).
Genomic context (GRCh38, chr3:129,437,033, plus strand): 5'-TTAACATCATCAACACCCTCATCTTCTTTCAAAAGCAAATGAGTGGAAGTAAAGTTAGAG[AG>TC]TCCTCTGCTCTCCTGCAACTCTGAACTACTACTTGGCGGCATAAACACATCCTTTTTGCA-3'
Protein context (NP_001263199.1, residues 194-214): SSSELQESRG[Leu204Asp]SNFTSTHLLL